The following is an entry in ClinVar:

ClinVar aggregate classification (germline): Uncertain significance (1 of 4 stars; one submission).

Conditions:
Hereditary cancer-predisposing syndrome. Also called: Neoplastic Syndromes, Hereditary; Hereditary Cancer Syndrome; Tumor predisposition; Hereditary neoplastic syndrome. Identifiers: Orphanet 140162, MedGen C0027672, MeSH D009386, MONDO:0015356.

Submission:

Labcorp Genetics (formerly Invitae), Labcorp
Classification: Uncertain significance for Hereditary cancer-predisposing syndrome. Last evaluated: 2019-06-03. Review status: criteria provided, single submitter. Criteria: Invitae Variant Classification Sherloc (09022015). Collection method: clinical testing. Allele origin: germline.
Comment: In summary, the available evidence is currently insufficient to determine the role of this variant in disease. Therefore, it has been classified as a Variant of Uncertain Significance. Algorithms developed to predict the effect of missense changes on protein structure and function (SIFT, PolyPhen-2, Align-GVGD) all suggest that this variant is likely to be tolerated, but these predictions have not been confirmed by published functional studies and their clinical significance is uncertain. This variant has not been reported in the literature in individuals with RAD50-related conditions. This variant is not present in population databases (ExAC no frequency). This sequence change replaces glutamic acid with valine at codon 420 of the RAD50 protein (p.Glu420Val). The glutamic acid residue is weakly conserved and there is a moderate physicochemical difference between glutamic acid and valine.

NM_005732.4(RAD50):c.1259A>T (p.Glu420Val)

Gene: RAD50 (RAD50 double strand break repair protein; plus strand). Cytogenetic location: 5q31.1.
Variant type: single nucleotide variant.
Coding change: c.1259A>T on transcript NM_005732.4 (MANE Select); coding-DNA position 1259, A replaced by T.
Protein change: p.Glu420Val; replaces glutamic acid 420 with valine.
Molecular consequence: missense variant.
Genome position (GRCh38, 1-based): chr5:132,589,644, A>T. VCF-style: chr5-132589644-A-T. GRCh37 (hg19) VCF-style: chr5-131925336-A-T.
Other names: short protein forms E420V.
Identifiers: ClinVar variation 945880 (VCV000945880.10), dbSNP rs1750661108, ClinGen allele CA360943597.